The following is an entry in ClinVar:

ClinVar aggregate classification (germline): Uncertain significance (1 of 4 stars; one submission).

Conditions:
Hereditary cancer-predisposing syndrome. Also called: Neoplastic Syndromes, Hereditary; Tumor predisposition; Hereditary Cancer Syndrome; Hereditary neoplastic syndrome. Identifiers: Orphanet 140162, MedGen C0027672, MeSH D009386, MONDO:0015356.

Submission:

Ambry Genetics
Classification: Uncertain significance for Hereditary cancer-predisposing syndrome. Last evaluated: 2024-09-30. Review status: criteria provided, single submitter. Criteria: Ambry Variant Classification Scheme 2023. Collection method: clinical testing. Allele origin: germline.
Comment: The p.E489A variant (also known as c.1466A>C), located in coding exon 11 of the PMS2 gene, results from an A to C substitution at nucleotide position 1466. The glutamic acid at codon 489 is replaced by alanine, an amino acid with dissimilar properties. This amino acid position is conserved. In addition, this alteration is predicted to be tolerated by in silico analysis. Based on the available evidence, the clinical significance of this variant remains unclear.

NM_000535.7(PMS2):c.1466A>C (p.Glu489Ala)

Gene: PMS2 (PMS1 homolog 2, mismatch repair system component; minus strand). Cytogenetic location: 7p22.1.
Variant type: single nucleotide variant.
Coding change: c.1466A>C on transcript NM_000535.7 (MANE Select); coding-DNA position 1466, A replaced by C.
Protein change: p.Glu489Ala; replaces glutamic acid 489 with alanine.
Molecular consequence: missense variant. On other transcripts: non-coding transcript variant (1), intron variant (1).
Genome position (GRCh38, 1-based): chr7:5,987,299, T>G on the plus strand (A>C on the coding strand, the complement: PMS2 is on the minus strand). VCF-style: chr7-5987299-T-G. GRCh37 (hg19) VCF-style: chr7-6026930-T-G.
Other names: c.1061A>C, p.Glu354Ala (NM_001322003.2, NM_001322004.2, NM_001322005.2 and 16 more transcripts); c.1310A>C, p.Glu437Ala (NM_001322006.2, NM_001406870.1); c.1148A>C, p.Glu383Ala (NM_001322007.2, NM_001322008.2, NM_001406876.1 and 2 more transcripts); c.905A>C, p.Glu302Ala (NM_001322010.2, NM_001406906.1, NM_001406907.1); c.533A>C, p.Glu178Ala (NM_001322011.2, NM_001322012.2); c.893A>C, p.Glu298Ala (NM_001322013.2, NM_001406909.1); c.1466A>C, p.Glu489Ala (NM_001322014.2, NM_001406871.1, NM_001406872.1); c.1157A>C, p.Glu386Ala (NM_001322015.2, NM_001406875.1, NM_001406877.1 and 5 more transcripts); and 13 more; short protein forms E318A, E383A, E433A, E437A, E302A, E331A, E497A, E551A.
Identifiers: ClinVar variation 3421518 (VCV003421518.1).